The following is an entry in ClinVar:

NM_018714.3(COG1):c.1893C>T (p.Cys631=)

Gene: COG1 (component of oligomeric golgi complex 1; plus strand). Cytogenetic location: 17q25.1.
Variant type: single nucleotide variant.
Coding change: c.1893C>T on transcript NM_018714.3 (MANE Select); coding-DNA position 1893, C replaced by T.
Protein change: p.Cys631=; no amino-acid change (cysteine 631 retained).
Molecular consequence: synonymous variant.
Genome position (GRCh38, 1-based): chr17:73,201,720, C>T. VCF-style: chr17-73201720-C-T. GRCh37 (hg19) VCF-style: chr17-71197859-C-T.
Identifiers: ClinVar variation 499574 (VCV000499574.39), dbSNP rs80232475, ClinGen allele CA8740310.

ClinVar aggregate classification (germline): Benign/Likely benign. Review status: criteria provided, multiple submitters, no conflicts (2 of 4 stars). 4 submissions from 4 submitters: Benign (3); Likely benign (1). Last evaluated 2026-07-01.

Conditions:
COG1 congenital disorder of glycosylation (CDG2G). Also called: CDG IIg; CDGII/COG1 CEREBROCOSTOMANDIBULAR-LIKE SYNDROME; CONGENITAL DISORDER OF GLYCOSYLATION, TYPE IIg. Identifiers: Orphanet 263508, MedGen C2931011, MONDO:0012637, OMIM 611209.

Allele frequency attached by ClinVar (database versions not stated): gnomAD exomes 0.00021 and 0.00066; ExAC 0.00068; gnomAD 0.00219 and 0.00230; TOPMed 0.00242; ESP Exome Variant Server 0.00269; 1000 Genomes Project 0.00319; 1000 Genomes Project 30x 0.00390.
gnomAD v4.1: 659 of 1,614,198 alleles (0.041%); highest among the groups gnomAD compares: African/African-American, 0.77%; 4 homozygotes.

Submissions (4):

CeGaT Center for Human Genetics Tuebingen
Classification: Likely benign. Last evaluated: 2026-07-01. Review status: criteria provided, single submitter. Criteria: CeGaT Center For Human Genetics Tuebingen Variant Classification Criteria Version 2. Collection method: clinical testing. Allele origin: germline. Affected: yes. Observed: 4 variant alleles.
Comment: COG1: BP4, BP7

Labcorp Genetics (formerly Invitae), Labcorp
Classification: Benign for COG1 congenital disorder of glycosylation. Last evaluated: 2025-12-21. Review status: criteria provided, single submitter. Criteria: Invitae Variant Classification Sherloc (09022015). Collection method: clinical testing. Allele origin: germline.

Eurofins Ntd Llc (ga)
Classification: Benign. Last evaluated: 2017-01-12. Review status: criteria provided, single submitter. Criteria: EGL Classification Definitions 2015. Collection method: clinical testing. Allele origin: germline. Observed: 1 variant allele, 1 heterozygote.

Breakthrough Genomics
Classification: Benign. Review status: criteria provided, single submitter. Criteria: ACMG Guidelines, 2015. Collection method: not provided. Allele origin: germline. Inheritance: Autosomal recessive inheritance. Affected: yes.